The following is an entry in ClinVar:

ClinVar aggregate classification (germline): Likely pathogenic (1 of 4 stars; one submission).

Conditions:
Neonatal insulin-dependent diabetes mellitus. Identifiers: MedGen C3278636, HP:0000857.

Allele frequency attached by ClinVar (database versions not stated): ExAC 0.00001; gnomAD 0.00001; ESP Exome Variant Server 0.00008.
gnomAD v4.1: 1 of 1,612,472 alleles (0.000062%); highest among the groups gnomAD compares: South Asian, 0.0011%; no homozygotes.

Submission:

Clinical Genomics, Uppaluri K&H Personalized Medicine Clinic
Classification: Likely pathogenic for Neonatal insulin-dependent diabetes mellitus. Review status: criteria provided, single submitter. Criteria: K & H Uppaluri Personalized Medicine Clinic Variant Classification & Assertion Criteria_Updated V.1. Collection method: research. Allele origin: unknown.
Comment: Mutations in INS gene can cause early onset diabetes mellitus which is insulin dependent. May have poor response to sulfonylureas, as this mutation can cause beta cell destruction. However no sufficient evidence is found to ascertain the role of this particular variant rs145038693, yet.

Literature cited by the submitters: PubMed 11921414; PubMed 25542748; PubMed 26101329; PubMed 18171712.

NM_000207.3(INS):c.155C>G (p.Pro52Arg)

Genes: INS (insulin; minus strand), INS-IGF2 (INS-IGF2 readthrough; minus strand). Cytogenetic location: 11p15.5.
Variant type: single nucleotide variant.
Coding change: c.155C>G on transcript NM_000207.3 (MANE Select); coding-DNA position 155, C replaced by G.
Protein change: p.Pro52Arg; replaces proline 52 with arginine.
Molecular consequence: missense variant. On other transcripts: non-coding transcript variant (1).
Genome position (GRCh38, 1-based): chr11:2,160,817, G>C on the plus strand (C>G on the coding strand, the complement: INS is on the minus strand). VCF-style: chr11-2160817-G-C. GRCh37 (hg19) VCF-style: chr11-2182047-G-C.
Other names: c.155C>G, p.Pro52Arg (NM_001185097.2, NM_001185098.2, NM_001291897.2 and 1 more transcripts); short protein forms P52R.
Identifiers: ClinVar variation 1801850 (VCV001801850.1), dbSNP rs145038693, ClinGen allele CA5818182.